The following is an entry in ClinVar:

NM_000458.4(HNF1B):c.36_38del (p.Leu13del)

Gene: HNF1B (HNF1 homeobox B; minus strand). Cytogenetic location: 17q12.
Variant type: Deletion.
Coding change: c.36_38del on transcript NM_000458.4 (MANE Select); coding-DNA positions 36 to 38, 3 bases deleted (CCT; older notation c.36_38delCCT).
Protein change: p.Leu13del; deletes leucine 13.
Molecular consequence: inframe deletion.
Genome position (GRCh38, 1-based): chr17:37,744,847-37,744,849, AGG deleted on the plus strand (CCT on the coding strand, the reverse complement: HNF1B is on the minus strand); deleting any 3 consecutive bases within chr17:37,744,847-37,744,851 gives the same sequence; the c. name uses the placement nearest the transcript's 3' end. VCF-style (leftmost placement, unchanged base first): chr17-37744846-CAGG-C. GRCh37 (hg19) VCF-style: chr17-36104837-CAGG-C.
Other names: c.36_38del, p.Leu13del (NM_001165923.4, NM_001304286.2, NM_001411100.1); short protein forms L13del.
Identifiers: ClinVar variation 4997246 (VCV004997246.1).
Genomic context (GRCh38, chr17:37,744,846, plus strand): 5'-CAACTCCTCCAAGGCCTGAACCAGCACCTCCTTGGTGACCCCGGAGCTCAGCAGGGCGCT[CAGG>C]AGTTCTTGCTGGAGCGACGTGAGCTTGGACACCATTTTCCAAGGACGGAAAAAGAAGGGG-3'

ClinVar aggregate classification (germline): Uncertain significance (1 of 4 stars; one submission).

Conditions:
HNF1B-related disorder. Also called: HNF1B-related condition; HNF1B-related disorders.

Submission:

PreventionGenetics, part of Exact Sciences
Classification: Uncertain significance for HNF1B-related condition. Last evaluated: 2025-01-03. Review status: criteria provided, single submitter. Criteria: ACMG Guidelines, 2015. Collection method: clinical testing. Allele origin: germline.
Comment: The HNF1B c.36_38delCCT variant is predicted to result in an in-frame deletion (p.Leu13del). This variant was reported in a family with renal cysts and maturity-onset diabetes of the young, including the proband, the affected father and sister (Han et al. 2024. PubMed ID: 39337310). This variant has not been reported in a large population database (gnomAD), indicating this variant is rare. Although we highly suspect that this variant is pathogenic, at this time, the clinical significance of this variant is uncertain due to the absence of conclusive functional and genetic evidence.